The following is an entry in ClinVar:

NM_021930.6(RINT1):c.1107+1G>T

Gene: RINT1 (RAD50 interactor 1; plus strand). Cytogenetic location: 7q22.3.
Variant type: single nucleotide variant.
Coding change: c.1107+1G>T on transcript NM_021930.6 (MANE Select); the canonical splice donor site of the intron after coding-DNA position 1107, G replaced by T.
Molecular consequence: splice donor variant.
Genome position (GRCh38, 1-based): chr7:105,550,166, G>T. VCF-style: chr7-105550166-G-T. GRCh37 (hg19) VCF-style: chr7-105190613-G-T.
Other names: c.84+1G>T (NM_001346600.2, NM_001346603.2); c.183+1G>T (NM_001346601.2); c.873+1G>T (NM_001346599.2).
Identifiers: ClinVar variation 653869 (VCV000653869.13), dbSNP rs200989342, ClinGen allele CA4426596.

ClinVar aggregate classification (germline): Likely pathogenic. Review status: criteria provided, multiple submitters, no conflicts (2 of 4 stars). 2 submissions from 2 submitters: Likely pathogenic (2). Last evaluated 2026-01-28.

Conditions:
Thyroid cancer, nonmedullary, 1. Identifiers: MedGen C4721429, MONDO:0008567, OMIM 188550.

Allele frequency attached by ClinVar (database versions not stated): gnomAD exomes below 0.00001 and 0.00002; gnomAD 0.00001; ExAC 0.00003; 1000 Genomes Project 30x 0.00016; 1000 Genomes Project 0.00020.

Submissions (2):

Labcorp Genetics (formerly Invitae), Labcorp
Classification: Likely pathogenic. Last evaluated: 2026-01-28. Review status: criteria provided, single submitter. Criteria: Invitae Variant Classification Sherloc (09022015). Collection method: clinical testing. Allele origin: germline.
Comment: This sequence change affects a donor splice site in intron 8 of the RINT1 gene. It is expected to disrupt RNA splicing. Variants that disrupt the donor or acceptor splice site typically lead to a loss of protein function (PMID: 16199547), and loss-of-function variants in RINT1 are known to be pathogenic (PMID: 31204009). This variant is present in population databases (rs200989342, gnomAD 0.03%). This variant has not been reported in the literature in individuals affected with RINT1-related conditions. ClinVar contains an entry for this variant (Variation ID: 653869). Algorithms developed to predict the effect of sequence changes on RNA splicing suggest that this variant may disrupt the consensus splice site. In summary, the currently available evidence indicates that the variant is pathogenic, but additional data are needed to prove that conclusively. Therefore, this variant has been classified as Likely Pathogenic.

Dept. of Medical Genetics, The Key Laboratory of Geriatrics, Beijing Institute of Geriatrics, Institute of Geriatric Medicine, Chinese Academy of Medical Sciences , Beijing Hospital/National Center of Gerontology of National Health Commission
Classification: Likely pathogenic for Nonmedullary thyroid carcinoma 1. Last evaluated: 2021-12-28. Review status: criteria provided, single submitter. Criteria: ACMG Guidelines, 2015. Collection method: research. Allele origin: somatic, germline. Affected: yes. Observed: 3 heterozygotes.
Comment: We identified a heterozygous donor splice site variant (rs200989342, NM_021930: exon8: c.1107+1G>T) in intron 8 of the RINT1 gene in two unrelated Chinese patients with papillary thyroid cancer (PTC) by whole exome sequencing of DNA in peripheral-blood cells from the patients. The variant has a 0.003% mutant allele frequency in ExAC. We used RT-PCR and Sanger sequencing to determine that the variant causes RINT1 exon 8 skipping and results in a marked decrease in mutant mRNA in the normal thyroid tissue from one variant carrier and in the FFPE tumor specimen from another variant carrier. Based on these clinical and genetic evidence, the loss-of-function variant in RINT1 is considered a likely Pathogenic Variant.

Literature cited by the submitters: PubMed 16199547 (cited by Labcorp Genetics (formerly Invitae), Labcorp); PubMed 31204009 (cited by Labcorp Genetics (formerly Invitae), Labcorp).